The following is an entry in ClinVar:

ClinVar aggregate classification (germline): Pathogenic. Review status: criteria provided, multiple submitters, no conflicts (2 of 4 stars). 3 submissions from 3 submitters: Pathogenic (2). 1 of the submissions does not count toward it. Last evaluated 2024-10-19.

Conditions:
Aarskog syndrome (AAS). Also called: Aarskog Scott syndrome; Aarskog disease; Aarskog-Scott syndrome, X-linked; FGDY; FGD1-Related Faciogenital Dysplasia (Aarskog-Scott Syndrome). Identifiers: Orphanet 915, MedGen C0175701, MONDO:0010589, OMIM 305400.

Submissions (3):

GeneDx
Classification: Pathogenic. Last evaluated: 2024-10-19. Review status: criteria provided, single submitter. Criteria: GeneDx Variant Classification Process June 2021. Collection method: clinical testing. Allele origin: germline. Affected: yes.
Comment: Nonsense variant predicted to result in protein truncation or nonsense mediated decay in a gene for which loss of function is a known mechanism of disease; Not observed at significant frequency in large population cohorts (gnomAD); This variant is associated with the following publications: (PMID: 25525159, 34189097, 26029706, 20082460)

3billion
Classification: Pathogenic for Aarskog syndrome. Last evaluated: 2022-01-03. Review status: criteria provided, single submitter. Criteria: ACMG Guidelines, 2015. Collection method: clinical testing. Allele origin: germline. Affected: yes. Observed: 1 hemizygote.
Comment: The variant has been reported to be associated with FGD1 related disorder (ClinVar ID: VCV000029974, PMID:20082460). Stop-gained (nonsense): predicted to result in a loss or disruption of normal protein function through nonsense-mediated decay (NMD) or protein truncation. Multiple pathogenic variants are reported downstream of the variant (PVS1_VS). It is not observed in the gnomAD v2.1.1 dataset (PM2_M). Therefore, this variant is classified as pathogenic according to the recommendation of ACMG/AMP guideline.

OMIM
Classification: Pathogenic for AARSKOG-SCOTT SYNDROME. Last evaluated: 2010-02-01. Review status: no assertion criteria provided. Collection method: literature only. Allele origin: germline. Not counted in ClinVar's aggregate classification.

Literature cited by the submitters: PubMed 20082460 (cited by 3billion and OMIM).

NM_004463.3(FGD1):c.1966C>T (p.Arg656Ter)

Gene: FGD1 (FYVE, RhoGEF and PH domain containing 1; minus strand). Cytogenetic location: Xp11.22.
Variant type: single nucleotide variant.
Coding change: c.1966C>T on transcript NM_004463.3 (MANE Select); coding-DNA position 1966, C replaced by T.
Protein change: p.Arg656Ter; replaces arginine 656 with a stop codon.
Molecular consequence: nonsense.
Genome position (GRCh38, 1-based): chrX:54,455,497, G>A on the plus strand (C>T on the coding strand, the complement: FGD1 is on the minus strand). VCF-style: chrX-54455497-G-A. GRCh37 (hg19) VCF-style: chrX-54481930-G-A.
Other names: c.1966C>T (NM_004463.2); short protein forms R656*.
Identifiers: ClinVar variation 29974 (VCV000029974.4), dbSNP rs387906718, ClinGen allele CA128808.